The following is an entry in ClinVar:

ClinVar aggregate classification (germline): Uncertain significance (1 of 4 stars; one submission).

gnomAD v4.1: 2 of 1,612,572 alleles (0.00012%); highest among the groups gnomAD compares: African/African-American, 0.0013%; no homozygotes.

Submission:

Labcorp Genetics (formerly Invitae), Labcorp
Classification: Uncertain significance. Last evaluated: 2025-03-10. Review status: criteria provided, single submitter. Criteria: Invitae Variant Classification Sherloc (09022015). Collection method: clinical testing. Allele origin: germline.
Comment: This sequence change replaces proline, which is neutral and non-polar, with arginine, which is basic and polar, at codon 142 of the DIAPH3 protein (p.Pro142Arg). This variant is not present in population databases (gnomAD no frequency). This variant has not been reported in the literature in individuals affected with DIAPH3-related conditions. An algorithm developed to predict the effect of missense changes on protein structure and function (PolyPhen-2) suggests that this variant is likely to be disruptive. In summary, the available evidence is currently insufficient to determine the role of this variant in disease. Therefore, it has been classified as a Variant of Uncertain Significance.

NM_001042517.2(DIAPH3):c.425C>G (p.Pro142Arg)

Gene: DIAPH3 (diaphanous related formin 3; minus strand). Cytogenetic location: 13q21.2.
Variant type: single nucleotide variant.
Coding change: c.425C>G on transcript NM_001042517.2 (MANE Select); coding-DNA position 425, C replaced by G.
Protein change: p.Pro142Arg; replaces proline 142 with arginine.
Molecular consequence: missense variant. On other transcripts: intron variant (1).
Genome position (GRCh38, 1-based): chr13:60,093,698, G>C on the plus strand (C>G on the coding strand, the complement: DIAPH3 is on the minus strand). VCF-style: chr13-60093698-G-C. GRCh37 (hg19) VCF-style: chr13-60667832-G-C.
Other names: c.392C>G, p.Pro131Arg (NM_001258366.2); c.215C>G, p.Pro72Arg (NM_001258368.2); c.425C>G, p.Pro142Arg (NM_001258369.2); c.357+18312C>G (NM_001258367.2); short protein forms P131R, P142R, P72R.
Identifiers: ClinVar variation 4702551 (VCV004702551.1).